The following is an entry in ClinVar:

NM_002112.4(HDC):c.92C>T (p.Thr31Met)

Gene: HDC (histidine decarboxylase; minus strand). Cytogenetic location: 15q21.2.
Variant type: single nucleotide variant.
Coding change: c.92C>T on transcript NM_002112.4 (MANE Select); coding-DNA position 92, C replaced by T.
Protein change: p.Thr31Met; replaces threonine 31 with methionine.
Molecular consequence: missense variant.
Genome position (GRCh38, 1-based): chr15:50,263,347, G>A on the plus strand (C>T on the coding strand, the complement: HDC is on the minus strand). VCF-style: chr15-50263347-G-A. GRCh37 (hg19) VCF-style: chr15-50555544-G-A.
Other names: c.92C>T, p.Thr31Met (NM_001306146.2); short protein forms T31M.
Identifiers: ClinVar variation 1227379 (VCV001227379.6), dbSNP rs17740607, ClinGen allele CA7554972.

ClinVar aggregate classification (germline): Benign. Review status: criteria provided, multiple submitters, no conflicts (2 of 4 stars). 3 submissions from 3 submitters: Benign (2). 1 of the submissions does not count toward it. Last evaluated 2020-10-29.

Conditions:
HDC-related disorder. Also called: HDC-related condition.

Allele frequency attached by ClinVar (database versions not stated): 1000 Genomes Project 30x 0.04731; 1000 Genomes Project 0.04752; TOPMed 0.07236; ESP Exome Variant Server 0.08358; ExAC 0.08370.
gnomAD v4.1: 151,904 of 1,613,916 alleles (9.4%); highest among the groups gnomAD compares: Middle Eastern, 12%; 7,909 homozygotes.

Submissions (3):

GeneDx
Classification: Benign. Last evaluated: 2020-10-29. Review status: criteria provided, single submitter. Criteria: GeneDx Variant Classification Process June 2021. Collection method: clinical testing. Allele origin: germline. Affected: yes.
Comment: This variant is associated with the following publications: (PMID: 25846768)

Breakthrough Genomics
Classification: Benign. Review status: criteria provided, single submitter. Criteria: ACMG Guidelines, 2015. Collection method: not provided. Allele origin: germline. Inheritance: Autosomal dominant inheritance. Affected: yes.

PreventionGenetics, part of Exact Sciences
Classification: Benign for HDC-related condition. Last evaluated: 2019-10-22. Review status: no assertion criteria provided. Collection method: clinical testing. Allele origin: germline. Not counted in ClinVar's aggregate classification.
Comment: This variant is classified as benign based on ACMG/AMP sequence variant interpretation guidelines (Richards et al. 2015 PMID: 25741868, with internal and published modifications).